The following is an entry in ClinVar:

NM_007078.3(LDB3):c.1867C>T (p.His623Tyr)

Gene: LDB3 (LIM domain binding 3; plus strand). Cytogenetic location: 10q23.2.
Variant type: single nucleotide variant.
Coding change: c.1867C>T on transcript NM_007078.3 (MANE Select); coding-DNA position 1867, C replaced by T.
Protein change: p.His623Tyr; replaces histidine 623 with tyrosine.
Molecular consequence: missense variant.
Genome position (GRCh38, 1-based): chr10:86,718,736, C>T. VCF-style: chr10-86718736-C-T. GRCh37 (hg19) VCF-style: chr10-88478493-C-T.
Other names: c.1537C>T, p.His513Tyr (NM_001080114.2); c.1882C>T, p.His628Tyr (NM_001171610.2); c.1678C>T, p.His560Tyr (NM_001368064.1, NM_001368065.1); c.1726C>T, p.His576Tyr (NM_001368066.1); short protein forms H560Y, H576Y, H623Y, H628Y, H513Y.
Identifiers: ClinVar variation 4097084 (VCV004097084.1).

ClinVar aggregate classification (germline): Uncertain significance (1 of 4 stars; one submission).

Conditions:
Cardiovascular phenotype. Identifiers: MedGen CN230736.

gnomAD v4.1: 4 of 1,614,088 alleles (0.00025%); no homozygotes.

Submission:

Ambry Genetics
Classification: Uncertain significance for Cardiovascular phenotype. Last evaluated: 2025-08-20. Review status: criteria provided, single submitter. Criteria: Ambry Variant Classification Scheme 2023. Collection method: clinical testing. Allele origin: germline.
Comment: The p.H623Y variant (also known as c.1867C>T), located in coding exon 11 of the LDB3 gene, results from a C to T substitution at nucleotide position 1867. The histidine at codon 623 is replaced by tyrosine, an amino acid with similar properties. This amino acid position is conserved. In addition, this alteration is predicted to be deleterious by in silico analysis. Based on the available evidence, the clinical significance of this variant remains unclear.